The following is an entry in ClinVar:

ClinVar aggregate classification (germline): Uncertain significance. Review status: criteria provided, multiple submitters, no conflicts (2 of 4 stars). 2 submissions from 2 submitters: Uncertain significance (2). Last evaluated 2025-06-26.

Conditions:
Cardiovascular phenotype. Identifiers: MedGen CN230736.

gnomAD v4.1: 2 of 1,613,916 alleles (0.00012%); highest among the groups gnomAD compares: African/African-American, 0.0013%; no homozygotes.

Submissions (2):

GeneDx
Classification: Uncertain significance. Last evaluated: 2025-06-26. Review status: criteria provided, single submitter. Criteria: GeneDx Variant Classification Process June 2021. Collection method: clinical testing. Allele origin: germline. Affected: yes.
Comment: Has not been previously published as pathogenic or benign to our knowledge; Not observed at significant frequency in large population cohorts (gnomAD); In silico analysis supports that this missense variant has a deleterious effect on protein structure/function

Ambry Genetics
Classification: Uncertain significance for Cardiovascular phenotype. Last evaluated: 2021-11-24. Review status: criteria provided, single submitter. Criteria: Ambry Variant Classification Scheme 2023. Collection method: clinical testing. Allele origin: germline.
Comment: The p.P2034S variant (also known as c.6100C>T), located in coding exon 16 of the TNXB gene, results from a C to T substitution at nucleotide position 6100. The proline at codon 2034 is replaced by serine, an amino acid with similar properties. This amino acid position is conserved. In addition, this alteration is predicted to be tolerated by in silico analysis. Since supporting evidence is limited at this time, the clinical significance of this alteration remains unclear.

NM_001365276.2(TNXB):c.6100C>T (p.Pro2034Ser)

Gene: TNXB (tenascin XB; minus strand). Cytogenetic location: 6p21.33.
Variant type: single nucleotide variant.
Coding change: c.6100C>T on transcript NM_001365276.2 (MANE Select); coding-DNA position 6100, C replaced by T.
Protein change: p.Pro2034Ser; replaces proline 2034 with serine.
Molecular consequence: missense variant.
Genome position (GRCh38, 1-based): chr6:32,068,510, G>A on the plus strand (C>T on the coding strand, the complement: TNXB is on the minus strand). VCF-style: chr6-32068510-G-A. GRCh37 (hg19) VCF-style: chr6-32036287-G-A.
Other names: c.6100C>T, p.Pro2034Ser (NM_019105.8); short protein forms P2034S.
Identifiers: ClinVar variation 1751630 (VCV001751630.3), dbSNP rs1437182181, ClinGen allele CA363403254.
Genomic context (GRCh38, chr6:32,068,510, plus strand): 5'-TCATCTTGTATTTATGGTCTGGCTCCAGGCCCGAGATGGTGACCCCTTCCTCGTGCCCTG[G>A]CACCCTCACTGCCTTGGGCTGCCCATCTCCATTCCTGTACTGGACCAGGAAGTGGTCAAA-3'
Protein context (NP_001352205.1, residues 2024-2044): GDGQPKAVRV[Pro2034Ser]GHEEGVTISG